The following is an entry in ClinVar:

ClinVar aggregate classification (germline): Uncertain significance. Review status: criteria provided, multiple submitters, no conflicts (2 of 4 stars). 3 submissions from 3 submitters: Uncertain significance (2). 1 of the submissions does not count toward it. Last evaluated 2025-12-11.

Conditions:
Pigmentary pallidal degeneration (NBIA1). Also called: PKAN NEUROAXONAL DYSTROPHY, JUVENILE-ONSET; Neuroaxonal dystrophy, late infantile; Hallervorden-Spatz disease; Neurodegeneration with brain iron accumulation 1; Pantothenate Kinase-Associated Neurodegeneration; HARP SYNDROME. Identifiers: Orphanet 157850, MedGen C0018523, MONDO:0009319, OMIM 234200.

Allele frequency attached by ClinVar (database versions not stated): gnomAD exomes 0.00001.
gnomAD v4.1: 16 of 1,614,134 alleles (0.00099%); highest among the groups gnomAD compares: Admixed American, 0.0017%; no homozygotes.

Submissions (3):

GeneDx
Classification: Uncertain significance. Last evaluated: 2025-12-11. Review status: criteria provided, single submitter. Criteria: GeneDx Variant Classification Process June 2021. Collection method: clinical testing. Allele origin: germline. Affected: yes.
Comment: Reported as R168C, due to the use of alternative nomenclature, along with a pathogenic variant in PANK2 in a patient with atypical pantothenate kinase-associated neurodegeneration (PKAN) in the published literature; however, segregation information was not provided (Zhou et al., 2001); Structural studies predicted that surface variants, including R278C, might disrupt salt bridges or hydrogen bonds with surrounding residues (Hong et al., 2007); In silico analysis supports that this missense variant has a deleterious effect on protein structure/function; Not observed at significant frequency in large population cohorts (gnomAD); This variant is associated with the following publications: (PMID: 31540697, 11479594, 27544236, 17631502, 37947042)

Women's Health and Genetics/Laboratory Corporation of America, LabCorp
Classification: Uncertain significance. Last evaluated: 2024-12-24. Review status: criteria provided, single submitter. Criteria: LabCorp Variant Classification Summary - May 2015. Collection method: clinical testing. Allele origin: germline.
Comment: Variant summary: PANK2 c.832C>T (p.Arg278Cys) results in a non-conservative amino acid change located in the Actin-like ATPase domain of the encoded protein sequence. Five of five in-silico tools predict a damaging effect of the variant on protein function. The variant allele was found at a frequency of 8e-06 in 251456 control chromosomes. c.832C>T has been reported in the literature in individuals affected with Pantothenate Kinase-Associated Neurodegeneration. These data indicate that the variant may be associated with disease. To our knowledge, no experimental evidence demonstrating an impact on protein function has been reported. The following publications have been ascertained in the context of this evaluation (PMID: 37947042, 11479594). ClinVar contains an entry for this variant (Variation ID: 4555). Another variant affecting R278 (p.R278L) has been reported in HGMD database. Based on the evidence outlined above, the variant was classified as VUS-possibly pathogenic.

OMIM
Classification: Pathogenic for NEURODEGENERATION WITH BRAIN IRON ACCUMULATION 1. Last evaluated: 2001-08-01. Review status: no assertion criteria provided. Collection method: literature only. Allele origin: germline. Not counted in ClinVar's aggregate classification.

Literature cited by the submitters: PubMed 11479594 (cited by Women's Health and Genetics/Laboratory Corporation of America, LabCorp and OMIM); PubMed 37947042 (cited by Women's Health and Genetics/Laboratory Corporation of America, LabCorp).

NM_001386393.1(PANK2):c.502C>T (p.Arg168Cys)

Gene: PANK2 (pantothenate kinase 2; plus strand). Cytogenetic location: 20p13.
Variant type: single nucleotide variant.
Coding change: c.502C>T on transcript NM_001386393.1 (MANE Select); coding-DNA position 502, C replaced by T.
Protein change: p.Arg168Cys; replaces arginine 168 with cysteine.
Molecular consequence: missense variant. On other transcripts: 5 prime UTR variant (4), non-coding transcript variant (1).
Genome position (GRCh38, 1-based): chr20:3,908,129, C>T. VCF-style: chr20-3908129-C-T. GRCh37 (hg19) VCF-style: chr20-3888776-C-T.
Other names: R168C; c.-42C>T (NM_001324191.2, NM_024960.6, NM_153640.4); c.832C>T, p.Arg278Cys (NM_001324192.1, NM_153638.4); c.-334C>T (NM_001324193.2); short protein forms R278C.
Identifiers: ClinVar variation 4555 (VCV000004555.8), dbSNP rs137852966, ClinGen allele CA116922.